The following is an entry in ClinVar:

NM_002907.4(RECQL):c.868-68dup

Gene: RECQL (RecQ like helicase; minus strand). Cytogenetic location: 12p12.1.
Variant type: Duplication.
Coding change: c.868-68dup on transcript NM_002907.4 (MANE Select); 68 bases into the intron before coding-DNA position 868, one base duplicated (G; older notation c.868-68dupG).
Molecular consequence: intron variant.
Genome position (GRCh38, 1-based): chr12:21,477,060, C duplicated on the plus strand (G on the coding strand, the reverse complement: RECQL is on the minus strand). VCF-style (leftmost placement, unchanged base first): chr12-21477059-A-AC. GRCh37 (hg19) VCF-style: chr12-21629993-A-AC.
Other names: c.868-68dup (NM_032941.3).
Identifiers: ClinVar variation 679682 (VCV000679682.1), dbSNP rs5796903, ClinGen allele CA233570583.

ClinVar aggregate classification (germline): Benign (1 of 4 stars; one submission).

Allele frequency attached by ClinVar (database versions not stated): 1000 Genomes Project 0.48882; 1000 Genomes Project 30x 0.49016; gnomAD exomes 0.49191; gnomAD 0.49464 and 0.49713; TOPMed 0.49561.

Submission:

GeneDx
Classification: Benign. Last evaluated: 2018-06-20. Review status: criteria provided, single submitter. Criteria: GeneDx Variant Classification (06012015). Collection method: clinical testing. Allele origin: germline. Affected: yes.
Comment: This variant is considered likely benign or benign based on one or more of the following criteria: it is a conservative change, it occurs at a poorly conserved position in the protein, it is predicted to be benign by multiple in silico algorithms, and/or has population frequency not consistent with disease.